The following is an entry in ClinVar:

ClinVar aggregate classification (germline): Uncertain significance (1 of 4 stars; one submission).

Submission:

Ambry Genetics
Classification: Uncertain significance. Last evaluated: 2025-05-08. Review status: criteria provided, single submitter. Criteria: Ambry Variant Classification Scheme 2023. Collection method: clinical testing. Allele origin: germline.
Comment: The p.R1627S variant (also known as c.4881G>T), located in coding exon 37 of the MYOM1 gene, results from a G to T substitution at nucleotide position 4881. The arginine at codon 1627 is replaced by serine, an amino acid with dissimilar properties. This amino acid position is conserved. In addition, this alteration is predicted to be tolerated by in silico analysis. Based on the available evidence, the clinical significance of this variant remains unclear.

NM_003803.4(MYOM1):c.4881G>T (p.Arg1627Ser)

Gene: MYOM1 (myomesin 1; minus strand). Cytogenetic location: 18p11.31.
Variant type: single nucleotide variant.
Coding change: c.4881G>T on transcript NM_003803.4 (MANE Select); coding-DNA position 4881, G replaced by T.
Protein change: p.Arg1627Ser; replaces arginine 1627 with serine.
Molecular consequence: missense variant.
Genome position (GRCh38, 1-based): chr18:3,067,439, C>A on the plus strand (G>T on the coding strand, the complement: MYOM1 is on the minus strand). VCF-style: chr18-3067439-C-A. GRCh37 (hg19) VCF-style: chr18-3067437-C-A.
Other names: c.4593G>T, p.Arg1531Ser (NM_019856.2); short protein forms R1531S, R1627S.
Identifiers: ClinVar variation 3916557 (VCV003916557.1).